The following is an entry in ClinVar:

ClinVar aggregate classification (germline): Uncertain significance (1 of 4 stars; one submission).

Conditions:
Inborn genetic diseases. Identifiers: MedGen C0950123, MeSH D030342.

Submission:

Ambry Genetics
Classification: Uncertain significance for Inborn genetic diseases. Last evaluated: 2026-08-22. Review status: criteria provided, single submitter. Criteria: Ambry Variant Classification Scheme 2023. Collection method: clinical testing. Allele origin: germline.
Comment: The p.E441K variant (also known as c.1321G>A), located in coding exon 12 of the AKT1 gene, results from a G to A substitution at nucleotide position 1321. The glutamic acid at codon 441 is replaced by lysine, an amino acid with similar properties. This amino acid position is conserved. In addition, this alteration is predicted to be deleterious by in silico analysis. Based on the available evidence, the clinical significance of this variant remains unclear.

NM_001382430.1(AKT1):c.1321G>A (p.Glu441Lys)

Gene: AKT1 (AKT serine/threonine kinase 1; minus strand). Cytogenetic location: 14q32.33.
Variant type: single nucleotide variant.
Coding change: c.1321G>A on transcript NM_001382430.1 (MANE Select); coding-DNA position 1321, G replaced by A.
Protein change: p.Glu441Lys; replaces glutamic acid 441 with lysine.
Molecular consequence: missense variant.
Genome position (GRCh38, 1-based): chr14:104,770,787, C>T on the plus strand (G>A on the coding strand, the complement: AKT1 is on the minus strand). VCF-style: chr14-104770787-C-T. GRCh37 (hg19) VCF-style: chr14-105237124-C-T.
Other names: c.1321G>A, p.Glu441Lys (NM_001014431.2, NM_001014432.2, NM_001382431.1 and 3 more transcripts); short protein forms E441K.
Identifiers: ClinVar variation 5034436 (VCV005034436.1).